The following is an entry in ClinVar:

NM_000702.4(ATP1A2):c.520G>A (p.Glu174Lys)

Genes: ATP1A2 (ATPase Na+/K+ transporting subunit alpha 2; plus strand), LOC126805890 (CDK7 strongly-dependent group 2 enhancer GRCh37_chr1:160093987-160095186; plus strand). Cytogenetic location: 1q23.2.
Variant type: single nucleotide variant.
Coding change: c.520G>A on transcript NM_000702.4 (MANE Select); coding-DNA position 520, G replaced by A.
Protein change: p.Glu174Lys; replaces glutamic acid 174 with lysine.
Molecular consequence: missense variant.
Genome position (GRCh38, 1-based): chr1:160,124,320, G>A. VCF-style: chr1-160124320-G-A. GRCh37 (hg19) VCF-style: chr1-160094110-G-A.
Other names: short protein forms E174K.
Identifiers: ClinVar variation 2202866 (VCV002202866.4), dbSNP rs2524857156, ClinGen allele CA343233392.

ClinVar aggregate classification (germline): Uncertain significance (1 of 4 stars; one submission).

Conditions:
Familial hemiplegic migraine. Identifiers: MedGen C0338484, MONDO:0000700.

Allele frequency attached by ClinVar (database versions not stated): gnomAD exomes 0.00001.
gnomAD v4.1: 11 of 1,609,610 alleles (0.00068%); highest among the groups gnomAD compares: Non-Finnish European, 0.00093%; no homozygotes.

Submission:

Labcorp Genetics (formerly Invitae), Labcorp
Classification: Uncertain significance for Familial hemiplegic migraine. Last evaluated: 2022-05-25. Review status: criteria provided, single submitter. Criteria: Invitae Variant Classification Sherloc (09022015). Collection method: clinical testing. Allele origin: germline.
Comment: In summary, the available evidence is currently insufficient to determine the role of this variant in disease. Therefore, it has been classified as a Variant of Uncertain Significance. Experimental studies have shown that this missense change affects ATP1A2 function (PMID: 23954377). Advanced modeling of protein sequence and biophysical properties (such as structural, functional, and spatial information, amino acid conservation, physicochemical variation, residue mobility, and thermodynamic stability) performed at Invitae indicates that this missense variant is not expected to disrupt ATP1A2 protein function. This missense change has been observed in individual(s) with familial hemiplegic migraine (PMID: 16110494). This variant is not present in population databases (gnomAD no frequency). This sequence change replaces glutamic acid, which is acidic and polar, with lysine, which is basic and polar, at codon 174 of the ATP1A2 protein (p.Glu174Lys).

Literature cited by the submitters: PubMed 23954377; PubMed 16110494.